The following is an entry in ClinVar:

ClinVar aggregate classification (germline): Pathogenic. Review status: criteria provided, multiple submitters, no conflicts (2 of 4 stars). 2 submissions from 2 submitters: Pathogenic (2). Last evaluated 2025-07-22.

Submissions (2):

Labcorp Genetics (formerly Invitae), Labcorp
Classification: Pathogenic. Last evaluated: 2025-07-22. Review status: criteria provided, single submitter. Criteria: Invitae Variant Classification Sherloc (09022015). Collection method: clinical testing. Allele origin: germline.
Comment: This sequence change replaces phenylalanine, which is neutral and non-polar, with serine, which is neutral and polar, at codon 16 of the FRMD7 protein (p.Phe16Ser). This variant is not present in population databases (gnomAD no frequency). This missense change has been observed in individuals with infantile nystagmus (PMID: 19484379, 21303855, 30618027). It has also been observed to segregate with disease in related individuals. ClinVar contains an entry for this variant (Variation ID: 1219261). An algorithm developed to predict the effect of missense changes on protein structure and function (PolyPhen-2) suggests that this variant is likely to be tolerated. For these reasons, this variant has been classified as Pathogenic.

GeneDx
Classification: Pathogenic. Last evaluated: 2023-09-11. Review status: criteria provided, single submitter. Criteria: GeneDx Variant Classification Process June 2021. Collection method: clinical testing. Allele origin: germline. Affected: yes.
Comment: Not observed at significant frequency in large population cohorts (gnomAD); In silico analysis supports that this missense variant has a deleterious effect on protein structure/function; This variant is associated with the following publications: (PMID: 30618027, 19484379, 26268155, 21904664, 21303855)

Literature cited by the submitters: PubMed 19484379 (cited by Labcorp Genetics (formerly Invitae), Labcorp); PubMed 21303855 (cited by Labcorp Genetics (formerly Invitae), Labcorp); PubMed 30618027 (cited by Labcorp Genetics (formerly Invitae), Labcorp).

NM_194277.3(FRMD7):c.47T>C (p.Phe16Ser)

Gene: FRMD7 (FERM domain containing 7; minus strand). Cytogenetic location: Xq26.2.
Variant type: single nucleotide variant.
Coding change: c.47T>C on transcript NM_194277.3 (MANE Select); coding-DNA position 47, T replaced by C.
Protein change: p.Phe16Ser; replaces phenylalanine 16 with serine.
Molecular consequence: missense variant.
Genome position (GRCh38, 1-based): chrX:132,127,798, A>G on the plus strand (T>C on the coding strand, the complement: FRMD7 is on the minus strand). VCF-style: chrX-132127798-A-G. GRCh37 (hg19) VCF-style: chrX-131261826-A-G.
Other names: c.47T>C, p.Phe16Ser (NM_001306193.2); short protein forms F16S.
Identifiers: ClinVar variation 1219261 (VCV001219261.10), dbSNP rs2124046017, ClinGen allele CA414677101.